The following is an entry in ClinVar:

NM_025144.4(ALPK1):c.131C>T (p.Pro44Leu)

Gene: ALPK1 (alpha kinase 1; plus strand). Cytogenetic location: 4q25.
Variant type: single nucleotide variant.
Coding change: c.131C>T on transcript NM_025144.4 (MANE Select); coding-DNA position 131, C replaced by T.
Protein change: p.Pro44Leu; replaces proline 44 with leucine.
Molecular consequence: missense variant. On other transcripts: intron variant (1).
Genome position (GRCh38, 1-based): chr4:112,382,407, C>T. VCF-style: chr4-112382407-C-T. GRCh37 (hg19) VCF-style: chr4-113303563-C-T.
Other names: c.131C>T, p.Pro44Leu (NM_001102406.2); c.42+4509C>T (NM_001253884.2); short protein forms P44L.
Identifiers: ClinVar variation 2068687 (VCV002068687.4), dbSNP rs746785388, ClinGen allele CA3046268.

ClinVar aggregate classification (germline): Uncertain significance (1 of 4 stars; one submission).

Allele frequency attached by ClinVar (database versions not stated): ExAC 0.00001; TOPMed 0.00001; gnomAD 0.00003.
gnomAD v4.1: 11 of 1,613,154 alleles (0.00068%); highest among the groups gnomAD compares: African/African-American, 0.0027%; no homozygotes.

Submission:

Labcorp Genetics (formerly Invitae), Labcorp
Classification: Uncertain significance. Last evaluated: 2024-12-31. Review status: criteria provided, single submitter. Criteria: Invitae Variant Classification Sherloc (09022015). Collection method: clinical testing. Allele origin: germline.
Comment: This sequence change replaces proline, which is neutral and non-polar, with leucine, which is neutral and non-polar, at codon 44 of the ALPK1 protein (p.Pro44Leu). This variant is present in population databases (rs746785388, gnomAD 0.008%). This variant has not been reported in the literature in individuals affected with ALPK1-related conditions. ClinVar contains an entry for this variant (Variation ID: 2068687). Invitae Evidence Modeling of protein sequence and biophysical properties (such as structural, functional, and spatial information, amino acid conservation, physicochemical variation, residue mobility, and thermodynamic stability) indicates that this missense variant is expected to disrupt ALPK1 protein function with a positive predictive value of 80%. In summary, the available evidence is currently insufficient to determine the role of this variant in disease. Therefore, it has been classified as a Variant of Uncertain Significance.